The following is an entry in ClinVar:

NM_003872.3(NRP2):c.2537C>T (p.Ser846Leu)

Gene: NRP2 (neuropilin 2; plus strand). Cytogenetic location: 2q33.3.
Variant type: single nucleotide variant.
Coding change: c.2537C>T on transcript NM_003872.3 (MANE Select); coding-DNA position 2537, C replaced by T.
Protein change: p.Ser846Leu; replaces serine 846 with leucine.
Molecular consequence: missense variant.
Genome position (GRCh38, 1-based): chr2:205,794,814, C>T. VCF-style: chr2-205794814-C-T. GRCh37 (hg19) VCF-style: chr2-206659538-C-T.
Other names: c.2552C>T, p.Ser851Leu (NM_201266.2); c.2486C>T, p.Ser829Leu (NM_201279.2); short protein forms S829L, S846L, S851L.
Identifiers: ClinVar variation 2636055 (VCV002636055.2), dbSNP rs761518491, ClinGen allele CA2069606.
Genomic context (GRCh38, chr2:205,794,814, plus strand): 5'-ATGAATACGAGGTGGACTGGAGCAATTCTTCTTCTGCAACCTCAGGGTCTGGCGCCCCCT[C>T]GACCGACAAAGAAAAGAGCTGGCTGTACACCCTGGATCCCATCCTCATCACCATCATCGC-3'
Protein context (NP_003863.2, residues 836-856): SSATSGSGAP[Ser846Leu]TDKEKSWLYT

ClinVar aggregate classification (germline): Uncertain significance (0 of 4 stars; one submission).

Conditions:
NRP2-related disorder. Also called: NRP2-related condition.

Allele frequency attached by ClinVar (database versions not stated): ExAC 0.00008; gnomAD 0.00008; TOPMed 0.00009.
gnomAD v4.1: 146 of 1,614,056 alleles (0.009%); highest among the groups gnomAD compares: Non-Finnish European, 0.011%; no homozygotes.

Submission:

PreventionGenetics, part of Exact Sciences
Classification: Uncertain significance for NRP2-related condition. Last evaluated: 2024-08-29. Review status: no assertion criteria provided. Collection method: clinical testing. Allele origin: germline.
Comment: The NRP2 c.2552C>T variant is predicted to result in the amino acid substitution p.Ser851Leu. To our knowledge, this variant has not been reported in the literature. This variant is reported in 0.0088% of alleles in individuals of European (Non-Finnish) descent in gnomAD. At this time, the clinical significance of this variant is uncertain due to the absence of conclusive functional and genetic evidence.